The following is an entry in ClinVar:

ClinVar aggregate classification (germline): Uncertain significance (1 of 4 stars; one submission).

Allele frequency attached by ClinVar (database versions not stated): TOPMed below 0.00001; ExAC 0.00001; gnomAD 0.00001.
gnomAD v4.1: 4 of 1,611,446 alleles (0.00025%); highest among the groups gnomAD compares: Admixed American, 0.0017%; no homozygotes.

Submissions (2):

Labcorp Genetics (formerly Invitae), Labcorp
Classification: Uncertain significance. Last evaluated: 2023-10-20. Review status: criteria provided, single submitter. Criteria: Invitae Variant Classification Sherloc (09022015). Collection method: clinical testing. Allele origin: germline.
Comment: This sequence change replaces glutamic acid, which is acidic and polar, with lysine, which is basic and polar, at codon 635 of the AP3D1 protein (p.Glu635Lys). The frequency data for this variant in the population databases is considered unreliable, as metrics indicate poor data quality at this position in the gnomAD database. This variant has not been reported in the literature in individuals affected with AP3D1-related conditions. ClinVar contains an entry for this variant (Variation ID: 1910891). An algorithm developed to predict the effect of missense changes on protein structure and function (PolyPhen-2) suggests that this variant is likely to be disruptive. In summary, the available evidence is currently insufficient to determine the role of this variant in disease. Therefore, it has been classified as a Variant of Uncertain Significance.

Dr. Peter K. Rogan Lab, Western University
No classification provided (evidence only). Condition: Thyroid cancer, nonmedullary, 1. Review status: no classification provided. Collection method: in vitro. Allele origin: not applicable. Functional consequence: retained intron. Not counted in ClinVar's aggregate classification.

NM_001261826.3(AP3D1):c.1903G>A (p.Glu635Lys)

Gene: AP3D1 (adaptor related protein complex 3 subunit delta 1; minus strand). Cytogenetic location: 19p13.3.
Variant type: single nucleotide variant.
Coding change: c.1903G>A on transcript NM_001261826.3 (MANE Select); coding-DNA position 1903, G replaced by A.
Protein change: p.Glu635Lys; replaces glutamic acid 635 with lysine.
Molecular consequence: missense variant.
Genome position (GRCh38, 1-based): chr19:2,116,703, C>T on the plus strand (G>A on the coding strand, the complement: AP3D1 is on the minus strand). VCF-style: chr19-2116703-C-T. GRCh37 (hg19) VCF-style: chr19-2116702-C-T.
Other names: c.1903G>A, p.Glu635Lys (NM_001374799.1, NM_003938.8); short protein forms E635K.
Identifiers: ClinVar variation 1910891 (VCV001910891.6), dbSNP rs769016159, ClinGen allele CA9059129.